The following is an entry in ClinVar:

ClinVar aggregate classification (germline): Uncertain significance (1 of 4 stars; one submission).

Submission:

GeneDx
Classification: Uncertain significance. Last evaluated: 2026-01-23. Review status: criteria provided, single submitter. Criteria: GeneDx Variant Classification Process June 2021. Collection method: clinical testing. Allele origin: germline.
Comment: Not observed at significant frequency in large population cohorts (gnomAD); In silico analysis suggests that this missense variant does not alter protein structure/function; Has not been previously published as pathogenic or benign to our knowledge

NM_052874.5(STX1B):c.610C>A (p.Leu204Met)

Gene: STX1B (syntaxin 1B; minus strand). Cytogenetic location: 16p11.2.
Variant type: single nucleotide variant.
Coding change: c.610C>A on transcript NM_052874.5 (MANE Select); coding-DNA position 610, C replaced by A.
Protein change: p.Leu204Met; replaces leucine 204 with methionine.
Molecular consequence: missense variant.
Genome position (GRCh38, 1-based): chr16:30,993,412, G>T on the plus strand (C>A on the coding strand, the complement: STX1B is on the minus strand). VCF-style: chr16-30993412-G-T. GRCh37 (hg19) VCF-style: chr16-31004733-G-T.
Other names: short protein forms L204M.
Identifiers: ClinVar variation 4975479 (VCV004975479.1).